The following is an entry in ClinVar:

NM_007315.4(STAT1):c.1688A>T (p.Glu563Val)

Gene: STAT1 (signal transducer and activator of transcription 1; minus strand). Cytogenetic location: 2q32.2.
Variant type: single nucleotide variant.
Coding change: c.1688A>T on transcript NM_007315.4 (MANE Select); coding-DNA position 1688, A replaced by T.
Protein change: p.Glu563Val; replaces glutamic acid 563 with valine.
Molecular consequence: missense variant.
Genome position (GRCh38, 1-based): chr2:190,979,811, T>A on the plus strand (A>T on the coding strand, the complement: STAT1 is on the minus strand). VCF-style: chr2-190979811-T-A. GRCh37 (hg19) VCF-style: chr2-191844537-T-A.
Other names: c.1628A>T, p.Glu543Val (NM_001384880.1); c.1694A>T, p.Glu565Val (NM_001384881.1, NM_001384884.1); c.1682A>T, p.Glu561Val (NM_001384882.1); c.1589A>T, p.Glu530Val (NM_001384883.1); c.1529A>T, p.Glu510Val (NM_001384885.1); c.1688A>T, p.Glu563Val (NM_001384886.1, NM_001384889.1, NM_139266.3); c.1595A>T, p.Glu532Val (NM_001384887.1); c.1658A>T, p.Glu553Val (NM_001384888.1); and 2 more; short protein forms E510V, E543V, E575V, E530V, E565V, E533V, E553V, E563V.
Identifiers: ClinVar variation 2936500 (VCV002936500.3), dbSNP rs2470432266, ClinGen allele CA349914176.

ClinVar aggregate classification (germline): Pathogenic (1 of 4 stars; one submission).

Conditions:
Immunodeficiency 31B. Also called: IMMUNODEFICIENCY 31B, MYCOBACTERIAL AND VIRAL INFECTIONS, AUTOSOMAL RECESSIVE; STAT1 DEFICIENCY, AUTOSOMAL RECESSIVE. Identifiers: Orphanet 391311, MedGen C3151088, MONDO:0013427, OMIM 613796.
Autoimmune enteropathy and endocrinopathy - susceptibility to chronic infections syndrome. Also called: Immunodeficiency 31C, autosomal dominant; Immunodeficiency 31C. Identifiers: Orphanet 391487, MedGen C3279990, MONDO:0013599, OMIM 614162.
Mendelian susceptibility to mycobacterial diseases due to partial STAT1 deficiency. Also called: IMMUNODEFICIENCY 31A, MYCOBACTERIOSIS, AUTOSOMAL DOMINANT; STAT1 DEFICIENCY, AUTOSOMAL DOMINANT; Immunodeficiency 31a. Identifiers: Orphanet 319595, MedGen C4013950, MONDO:0013956, OMIM 614892.

Submission:

Labcorp Genetics (formerly Invitae), Labcorp
Classification: Pathogenic for Mendelian susceptibility to mycobacterial diseases due to partial STAT1 deficiency; Immunodeficiency 31B; Autoimmune enteropathy and endocrinopathy - susceptibility to chronic infections syndrome. Last evaluated: 2024-04-29. Review status: criteria provided, single submitter. Criteria: Invitae Variant Classification Sherloc (09022015). Collection method: clinical testing. Allele origin: germline.
Comment: This sequence change replaces glutamic acid, which is acidic and polar, with valine, which is neutral and non-polar, at codon 563 of the STAT1 protein (p.Glu563Val). This variant is not present in population databases (gnomAD no frequency). This missense change has been observed in individual(s) with clinical features associated with STAT1 gain-of-function variants (Invitae). In at least one individual the variant was observed to be de novo. An algorithm developed to predict the effect of missense changes on protein structure and function (PolyPhen-2) suggests that this variant is likely to be tolerated. Algorithms developed to predict the effect of sequence changes on RNA splicing suggest that this variant may disrupt the consensus splice site. For these reasons, this variant has been classified as Pathogenic.